The following is an entry in ClinVar:

ClinVar aggregate classification (germline): Uncertain significance. Review status: criteria provided, multiple submitters, no conflicts (2 of 4 stars). 2 submissions from 2 submitters: Uncertain significance (2). Last evaluated 2022-08-11.

Conditions:
Inborn genetic diseases. Identifiers: MedGen C0950123, MeSH D030342.

Allele frequency attached by ClinVar (database versions not stated): gnomAD 0.00001; TOPMed 0.00001; gnomAD exomes 0.00003; ExAC 0.00004.
gnomAD v4.1: 19 of 1,614,006 alleles (0.0012%); highest among the groups gnomAD compares: Admixed American, 0.032%; no homozygotes.

Submissions (2):

Labcorp Genetics (formerly Invitae), Labcorp
Classification: Uncertain significance. Last evaluated: 2022-08-11. Review status: criteria provided, single submitter. Criteria: Invitae Variant Classification Sherloc (09022015). Collection method: clinical testing. Allele origin: germline.
Comment: This sequence change replaces valine, which is neutral and non-polar, with leucine, which is neutral and non-polar, at codon 382 of the VAC14 protein (p.Val382Leu). This variant is present in population databases (rs755053038, gnomAD 0.05%). In summary, the available evidence is currently insufficient to determine the role of this variant in disease. Therefore, it has been classified as a Variant of Uncertain Significance. Algorithms developed to predict the effect of missense changes on protein structure and function (SIFT, PolyPhen-2, Align-GVGD) all suggest that this variant is likely to be tolerated. This variant has not been reported in the literature in individuals affected with VAC14-related conditions.

Ambry Genetics
Classification: Uncertain significance for Inborn genetic diseases. Last evaluated: 2022-07-08. Review status: criteria provided, single submitter. Criteria: Ambry Variant Classification Scheme 2023. Collection method: clinical testing. Allele origin: germline.

NM_018052.5(VAC14):c.1144G>C (p.Val382Leu)

Genes: VAC14 (VAC14 component of PIKFYVE complex; minus strand), VAC14-AS1 (VAC14 antisense RNA 1; plus strand). Cytogenetic location: 16q22.1.
Variant type: single nucleotide variant.
Coding change: c.1144G>C on transcript NM_018052.5 (MANE Select); coding-DNA position 1144, G replaced by C.
Protein change: p.Val382Leu; replaces valine 382 with leucine.
Molecular consequence: missense variant. On other transcripts: non-coding transcript variant (1).
Genome position (GRCh38, 1-based): chr16:70,772,125, C>G on the plus strand (G>C on the coding strand, the complement: VAC14 is on the minus strand). VCF-style: chr16-70772125-C-G. GRCh37 (hg19) VCF-style: chr16-70806028-C-G.
Other names: c.442G>C, p.Val148Leu (NM_001351157.2); c.1144G>C (NM_018052.3); short protein forms V148L, V382L.
Identifiers: ClinVar variation 2414690 (VCV002414690.5), dbSNP rs755053038, ClinGen allele CA8147817.